The following is an entry in ClinVar:

NM_000069.3(CACNA1S):c.3054G>A (p.Gln1018=)

Gene: CACNA1S (calcium voltage-gated channel subunit alpha1 S; minus strand). Cytogenetic location: 1q32.1.
Variant type: single nucleotide variant.
Coding change: c.3054G>A on transcript NM_000069.3 (MANE Select); coding-DNA position 3054, G replaced by A.
Protein change: p.Gln1018=; no amino-acid change (glutamine 1018 retained).
Molecular consequence: synonymous variant.
Genome position (GRCh38, 1-based): chr1:201,061,468, C>T on the plus strand (G>A on the coding strand, the complement: CACNA1S is on the minus strand). VCF-style: chr1-201061468-C-T. GRCh37 (hg19) VCF-style: chr1-201030596-C-T.
Identifiers: ClinVar variation 1081494 (VCV001081494.10), dbSNP rs141956714, ClinGen allele CA079528.

ClinVar aggregate classification (germline): Conflicting classifications of pathogenicity. Review status: criteria provided, conflicting classifications (1 of 4 stars). 2 submissions from 2 submitters: Uncertain significance (1); Likely benign (1). Last evaluated 2025-12-08.

Conditions:
Hypokalemic periodic paralysis, type 1. Also called: HypoPP; Hypokalemic Periodic Paralysis Type 1 (AD). Identifiers: Orphanet 681, MedGen C3714580, MONDO:0042979, OMIM 170400.
Malignant hyperthermia, susceptibility to, 5 (MHS5). Also called: CACNA1S-Related Malignant Hyperthermia Susceptibility. Identifiers: Orphanet 423, MedGen C1866077, MONDO:0011163, OMIM 601887.

Allele frequency attached by ClinVar (database versions not stated): gnomAD exomes below 0.00001 and 0.00001; ExAC 0.00001; gnomAD 0.00001 and 0.00002; TOPMed 0.00001; ESP Exome Variant Server 0.00008; 1000 Genomes Project 30x 0.00016; 1000 Genomes Project 0.00020.
gnomAD v4.1: 5 of 1,613,376 alleles (0.00031%); highest among the groups gnomAD compares: Non-Finnish European, 0.00042%; no homozygotes.

Submissions (2):

Labcorp Genetics (formerly Invitae), Labcorp
Classification: Likely benign for Hypokalemic periodic paralysis, type 1; Malignant hyperthermia, susceptibility to, 5. Last evaluated: 2025-12-08. Review status: criteria provided, single submitter. Criteria: Invitae Variant Classification Sherloc (09022015). Collection method: clinical testing. Allele origin: germline.

Color Diagnostics, LLC DBA Color Health
Classification: Uncertain significance for Malignant hyperthermia, susceptibility to, 5. Last evaluated: 2025-07-14. Review status: criteria provided, single submitter. Criteria: ACMG Guidelines, 2015. Collection method: clinical testing. Allele origin: germline.
Comment: This variant is located in the CACNA1S protein. To our knowledge, functional studies have not been reported for this variant. This variant has not been reported in individuals affected with CACNA1S-related disorders in the literature. This variant has been identified in 3/250490 chromosomes in the general population by the Genome Aggregation Database (gnomAD). The available evidence is insufficient to determine the role of this variant in disease conclusively. Therefore, this variant is classified as a Variant of Uncertain Significance.